The following is an entry in ClinVar:

NM_198576.4(AGRN):c.3517-12T>C

Gene: AGRN (agrin; plus strand). Cytogenetic location: 1p36.33.
Variant type: single nucleotide variant.
Coding change: c.3517-12T>C on transcript NM_198576.4 (MANE Select); 12 bases into the intron before coding-DNA position 3517, T replaced by C.
Molecular consequence: intron variant.
Genome position (GRCh38, 1-based): chr1:1,047,561, T>C. VCF-style: chr1-1047561-T-C. GRCh37 (hg19) VCF-style: chr1-982941-T-C.
Other names: c.3517-12T>C (NM_001305275.2); c.3202-12T>C (NM_001364727.2).
Identifiers: ClinVar variation 263181 (VCV000263181.14), dbSNP rs3128102, ClinGen allele CA509119.

ClinVar aggregate classification (germline): Benign. Review status: criteria provided, multiple submitters, no conflicts (2 of 4 stars). 6 submissions from 6 submitters: Benign (6). Last evaluated 2026-02-04.

Conditions:
Congenital myasthenic syndrome 8. Also called: Myasthenic syndrome, congenital, 8, with pre- and postsynaptic defects; MYASTHENIC SYNDROME, CONGENITAL, DUE TO AGRIN DEFICIENCY. Identifiers: Orphanet 590, MedGen C3808739, MONDO:0014052, OMIM 615120.

Allele frequency attached by ClinVar (database versions not stated): ESP Exome Variant Server 0.76657; TOPMed 0.77296; gnomAD 0.78058 and 0.79162; 1000 Genomes Project 30x 0.79013; 1000 Genomes Project 0.79992.
gnomAD v4.1: 1,448,916 of 1,612,772 alleles (90%); highest among the groups gnomAD compares: East Asian, 97%; 659,170 homozygotes.

Submissions (6):

Labcorp Genetics (formerly Invitae), Labcorp
Classification: Benign for Congenital myasthenic syndrome 8. Last evaluated: 2026-02-04. Review status: criteria provided, single submitter. Criteria: Invitae Variant Classification Sherloc (09022015). Collection method: clinical testing. Allele origin: germline.

Blueprint Genetics
Classification: Benign. Last evaluated: 2024-11-26. Review status: criteria provided, single submitter. Criteria: ACMG Guidelines, 2015. Collection method: clinical testing. Allele origin: germline.

Genome-Nilou Lab
Classification: Benign for Congenital myasthenic syndrome 8. Last evaluated: 2021-07-14. Review status: criteria provided, single submitter. Criteria: ACMG Guidelines, 2015. Collection method: clinical testing. Allele origin: germline. Affected: no.

GeneDx
Classification: Benign. Last evaluated: 2016-01-19. Review status: criteria provided, single submitter. Criteria: GeneDx Variant Classification (06012015). Collection method: clinical testing. Allele origin: germline. Affected: yes.
Comment: This variant is considered likely benign or benign based on one or more of the following criteria: it is a conservative change, it occurs at a poorly conserved position in the protein, it is predicted to be benign by multiple in silico algorithms, and/or has population frequency not consistent with disease.

Breakthrough Genomics
Classification: Benign. Review status: criteria provided, single submitter. Criteria: ACMG Guidelines, 2015. Collection method: not provided. Allele origin: germline. Inheritance: Autosomal recessive inheritance. Affected: yes.

PreventionGenetics, part of Exact Sciences
Classification: Benign. Review status: criteria provided, single submitter. Criteria: ACMG Guidelines, 2015. Collection method: clinical testing. Allele origin: germline.